The following is an entry in ClinVar:

NM_000078.3(CETP):c.66C>A (p.Thr22=)

Gene: CETP (cholesteryl ester transfer protein; plus strand). Cytogenetic location: 16q13.
Variant type: single nucleotide variant.
Coding change: c.66C>A on transcript NM_000078.3 (MANE Select); coding-DNA position 66, C replaced by A.
Protein change: p.Thr22=; no amino-acid change (threonine 22 retained).
Molecular consequence: synonymous variant.
Genome position (GRCh38, 1-based): chr16:56,962,045, C>A. VCF-style: chr16-56962045-C-A. GRCh37 (hg19) VCF-style: chr16-56995957-C-A.
Other names: p.Thr22=; c.66C>A, p.Thr22= (NM_001286085.2).
Identifiers: ClinVar variation 319971 (VCV000319971.21), dbSNP rs5884, ClinGen allele CA8070736.

ClinVar aggregate classification (germline): Benign/Likely benign. Review status: criteria provided, multiple submitters, no conflicts (2 of 4 stars). 7 submissions from 7 submitters: Benign (4); Likely benign (2). 1 of the submissions does not count toward it. Last evaluated 2026-02-03.

Conditions:
CETP-related disorder. Also called: CETP-related condition.
Hyperalphalipoproteinemia 1 (HALP1). Also called: CETP-Related Hyperalphalipoproteinemia; CETP DEFICIENCY. Identifiers: MedGen C3149462, OMIM 143470.

Allele frequency attached by ClinVar (database versions not stated): gnomAD exomes 0.00149 and 0.00362; ExAC 0.00443; ESP Exome Variant Server 0.01400; 1000 Genomes Project 0.01617; TOPMed 0.01632; 1000 Genomes Project 30x 0.01858; gnomAD 0.01420 and 0.01514.
gnomAD v4.1: 4,458 of 1,614,142 alleles (0.28%); highest among the groups gnomAD compares: African/African-American, 4.9%; 79 homozygotes.

Submissions (7):

Labcorp Genetics (formerly Invitae), Labcorp
Classification: Benign. Last evaluated: 2026-02-03. Review status: criteria provided, single submitter. Criteria: Invitae Variant Classification Sherloc (09022015). Collection method: clinical testing. Allele origin: germline.

Mayo Clinic Laboratories, Mayo Clinic
Classification: Benign. Last evaluated: 2024-07-03. Review status: criteria provided, single submitter. Criteria: ACMG Guidelines, 2015. Collection method: clinical testing. Allele origin: germline. Observed: 4 variant alleles.
Comment: BS1, BS2, BP4, BP7

Fulgent Genetics
Classification: Benign for Hyperalphalipoproteinemia 1. Last evaluated: 2022-03-11. Review status: criteria provided, single submitter. Criteria: ACMG Guidelines, 2015. Collection method: clinical testing. Allele origin: unknown.

GeneDx
Classification: Likely benign. Last evaluated: 2021-01-12. Review status: criteria provided, single submitter. Criteria: GeneDx Variant Classification Process June 2021. Collection method: clinical testing. Allele origin: germline. Affected: yes.

Illumina Laboratory Services, Illumina
Classification: Benign for Hyperalphalipoproteinemia 1. Last evaluated: 2018-01-13. Review status: criteria provided, single submitter. Criteria: ICSL Variant Classification Criteria 13 December 2019. Collection method: clinical testing. Allele origin: germline.
Comment: This variant was observed in the ICSL laboratory as part of a predisposition screen in an ostensibly healthy population. It had not been previously curated by ICSL or reported in the Human Gene Mutation Database (HGMD: prior to June 1st, 2018), and was therefore a candidate for classification through an automated scoring system. Utilizing variant allele frequency, disease prevalence and penetrance estimates, and inheritance mode, an automated score was calculated to assess if this variant is too frequent to cause the disease. Based on the score and internal cut-off values, a variant classified as benign is not then subjected to further curation. The score for this variant resulted in a classification of benign for this disease.

Breakthrough Genomics
Classification: Likely benign. Review status: criteria provided, single submitter. Criteria: ACMG Guidelines, 2015. Collection method: not provided. Allele origin: germline. Inheritance: Autosomal dominant inheritance. Affected: yes.

PreventionGenetics, part of Exact Sciences
Classification: Benign for CETP-related condition. Last evaluated: 2019-03-29. Review status: no assertion criteria provided. Collection method: clinical testing. Allele origin: germline. Not counted in ClinVar's aggregate classification.
Comment: This variant is classified as benign based on ACMG/AMP sequence variant interpretation guidelines (Richards et al. 2015 PMID: 25741868, with internal and published modifications).